The following is an entry in ClinVar:

NM_000038.6(APC):c.5578G>T (p.Asp1860Tyr)

Gene: APC (APC regulator of Wnt signaling pathway; plus strand). Cytogenetic location: 5q22.2.
Variant type: single nucleotide variant.
Coding change: c.5578G>T on transcript NM_000038.6 (MANE Select); coding-DNA position 5578, G replaced by T.
Protein change: p.Asp1860Tyr; replaces aspartic acid 1860 with tyrosine.
Molecular consequence: missense variant. On other transcripts: non-coding transcript variant (2).
Genome position (GRCh38, 1-based): chr5:112,841,172, G>T. VCF-style: chr5-112841172-G-T. GRCh37 (hg19) VCF-style: chr5-112176869-G-T.
Other names: c.5578G>T, p.Asp1860Tyr (NM_001127510.3, NM_001354895.2, NM_001407450.1); c.5524G>T, p.Asp1842Tyr (NM_001127511.3); c.5632G>T, p.Asp1878Tyr (NM_001354896.2, NM_001407447.1, NM_001407448.1 and 1 more transcripts); c.5608G>T, p.Asp1870Tyr (NM_001354897.2); c.5503G>T, p.Asp1835Tyr (NM_001354898.2); c.5494G>T, p.Asp1832Tyr (NM_001354899.2); c.5455G>T, p.Asp1819Tyr (NM_001354900.2); c.5401G>T, p.Asp1801Tyr (NM_001354901.2, NM_001407453.1); and 11 more; short protein forms D1734Y, D1777Y, D1832Y, D1835Y, D1842Y, D1850Y, D1853Y, D1700Y.
Identifiers: ClinVar variation 2751322 (VCV002751322.5), dbSNP rs2149943729, ClinGen allele CA16033537.

ClinVar aggregate classification (germline): Uncertain significance. Review status: criteria provided, multiple submitters, no conflicts (2 of 4 stars). 2 submissions from 2 submitters: Uncertain significance (2). Last evaluated 2026-03-09.

Conditions:
Familial adenomatous polyposis 1 (FAP1). Also called: POLYPOSIS, ADENOMATOUS INTESTINAL; FAMILIAL ADENOMATOUS POLYPOSIS 1, ATTENUATED. Identifiers: MedGen C2713442, MONDO:0021056, OMIM 175100. Disease mechanism: loss of function.

Submissions (2):

Dasa
Classification: Uncertain significance. Last evaluated: 2026-03-09. Review status: criteria provided, single submitter. Criteria: DASA Assertion Criteria. Collection method: clinical testing. Allele origin: germline.
Comment: NM_000038.6(APC):c.5578G>T (p.Asp1860Tyr) is a missense variant that results in the substitution of aspartic acid with tyrosine. This variant is rare in population databases. Computational prediction algorithms are consistent with a deleterious effect. The currently available literature and clinical evidence are not sufficient to establish a definitive association between this variant and the reported condition. Therefore, this variant is classified as a variant of uncertain significance.

Labcorp Genetics (formerly Invitae), Labcorp
Classification: Uncertain significance for Familial adenomatous polyposis 1. Last evaluated: 2023-08-09. Review status: criteria provided, single submitter. Criteria: Invitae Variant Classification Sherloc (09022015). Collection method: clinical testing. Allele origin: germline.
Comment: Advanced modeling of protein sequence and biophysical properties (such as structural, functional, and spatial information, amino acid conservation, physicochemical variation, residue mobility, and thermodynamic stability) performed at Invitae indicates that this missense variant is not expected to disrupt APC protein function. This variant has not been reported in the literature in individuals affected with APC-related conditions. This variant is not present in population databases (gnomAD no frequency). This sequence change replaces aspartic acid, which is acidic and polar, with tyrosine, which is neutral and polar, at codon 1860 of the APC protein (p.Asp1860Tyr). In summary, the available evidence is currently insufficient to determine the role of this variant in disease. Therefore, it has been classified as a Variant of Uncertain Significance.